The following is an entry in ClinVar:

ClinVar aggregate classification (germline): Uncertain significance (1 of 4 stars; one submission).

Conditions:
Neuropathy, hereditary sensory, type 1F. Also called: Hereditary sensory neuropathy type IF; HSN IF. Identifiers: Orphanet 36386, MedGen C3810194, MONDO:0014286, OMIM 615632.

Submission:

Labcorp Genetics (formerly Invitae), Labcorp
Classification: Uncertain significance for Neuropathy, hereditary sensory, type 1F. Last evaluated: 2023-01-03. Review status: criteria provided, single submitter. Criteria: Invitae Variant Classification Sherloc (09022015). Collection method: clinical testing. Allele origin: germline.
Comment: This sequence change creates a premature translational stop signal (p.Gly501*) in the ATL3 gene. While this is not anticipated to result in nonsense mediated decay, it is expected to disrupt the last 41 amino acid(s) of the ATL3 protein. This variant is not present in population databases (gnomAD no frequency). In summary, the available evidence is currently insufficient to determine the role of this variant in disease. Therefore, it has been classified as a Variant of Uncertain Significance. Experimental studies and prediction algorithms are not available or were not evaluated, and the functional significance of this variant is currently unknown. This variant has not been reported in the literature in individuals affected with ATL3-related conditions.

NM_015459.5(ATL3):c.1501G>T (p.Gly501Ter)

Genes: ATL3 (atlastin GTPase 3; minus strand), LNCROPM (lncRNA regulator of PLAAT3 mediated phospholipid metabolism; plus strand). Cytogenetic location: 11q13.1.
Variant type: single nucleotide variant.
Coding change: c.1501G>T on transcript NM_015459.5 (MANE Select); coding-DNA position 1501, G replaced by T.
Protein change: p.Gly501Ter; replaces glycine 501 with a stop codon.
Molecular consequence: nonsense.
Genome position (GRCh38, 1-based): chr11:63,631,078, C>A on the plus strand (G>T on the coding strand, the complement: ATL3 is on the minus strand). VCF-style: chr11-63631078-C-A. GRCh37 (hg19) VCF-style: chr11-63398550-C-A.
Other names: c.1447G>T, p.Gly483Ter (NM_001290048.2); short protein forms G483*, G501*.
Identifiers: ClinVar variation 2826040 (VCV002826040.3), dbSNP rs112847445, ClinGen allele CA381024813.
Genomic context (GRCh38, chr11:63,631,078, plus strand): 5'-GCTCTTCAGCAGCACCACTTACCTGCTCCAACACATATGCGGCACCAAAATCAATAGCTC[C>A]GCCCAGCTCACGATATTGACCAGAATACCTGATGTAGCCCCAGGTGAGGAGTGCTATTAA-3'